The following is an entry in ClinVar:

NM_130466.4(UBE3B):c.941-1G>A

Gene: UBE3B (ubiquitin protein ligase E3B; plus strand). Cytogenetic location: 12q24.11.
Variant type: single nucleotide variant.
Coding change: c.941-1G>A on transcript NM_130466.4 (MANE Select); the canonical splice acceptor site of the intron before coding-DNA position 941, G replaced by A.
Molecular consequence: splice acceptor variant.
Genome position (GRCh38, 1-based): chr12:109,499,632, G>A. VCF-style: chr12-109499632-G-A. GRCh37 (hg19) VCF-style: chr12-109937437-G-A.
Other names: c.941-1G>A (NM_183415.3).
Identifiers: ClinVar variation 280736 (VCV000280736.2), dbSNP rs886041886, ClinGen allele CA10603171.
Genomic context (GRCh38, chr12:109,499,632, plus strand): 5'-GGGCCGGGAGGCACCAAAATGTTTGTCTGGGCCCATCACACTCAGCCTTCTCTCTCTGTA[G>A]GCAACCTCCTACACTTGGGCTCCCTCAGCCCCAGAGTGTTAGAGGAGGAGACAGATGGGT-3'

ClinVar aggregate classification (germline): Pathogenic (1 of 4 stars; one submission).

Allele frequency attached by ClinVar (database versions not stated): gnomAD exomes below 0.00001.
gnomAD v4.1: 1 of 1,586,496 alleles (0.000063%); highest among the groups gnomAD compares: Non-Finnish European, 0.000086%; no homozygotes.

Submission:

GeneDx
Classification: Pathogenic. Last evaluated: 2016-07-27. Review status: criteria provided, single submitter. Criteria: GeneDx Variant Classification (06012015). Collection method: clinical testing. Allele origin: germline. Affected: yes.
Comment: The c.941-1G>A pathogenic variant in the UBE3B gene has not been reported previously as a pathogenic variant nor as a benign variant, to our knowledge. This splice site variant destroys the canonical splice acceptor site in intron 11. It is predicted to cause abnormal gene splicing, either leading to an abnormal message that is subject to nonsense-mediated mRNA decay, or to an abnormal protein product if the message is used for protein translation. The c.941-1G>A variant was not observed in approximately 6,500 individuals of European and African American ancestry in the NHLBI Exome Sequencing Project, indicating it is not a common benign variant in these populations. We interpret c.941-1G>A as a pathogenic variant.